The following is an entry in ClinVar:

ClinVar aggregate classification (germline): Uncertain significance (1 of 4 stars; one submission).

Conditions:
Early-infantile DEE. Also called: Early infantile epileptic encephalopathy with suppression bursts; Ohtahara syndrome; Early infantile epileptic encephalopathy. Identifiers: Orphanet 1934, MedGen C0393706, MONDO:0800491.

Submission:

Labcorp Genetics (formerly Invitae), Labcorp
Classification: Uncertain significance for Early-infantile DEE. Last evaluated: 2025-05-03. Review status: criteria provided, single submitter. Criteria: Invitae Variant Classification Sherloc (09022015). Collection method: clinical testing. Allele origin: germline.
Comment: This sequence change replaces glycine, which is neutral and non-polar, with aspartic acid, which is acidic and polar, at codon 352 of the GNAO1 protein (p.Gly352Asp). This variant is not present in population databases (gnomAD no frequency). This variant has not been reported in the literature in individuals affected with GNAO1-related conditions. Invitae Evidence Modeling of protein sequence and biophysical properties (such as structural, functional, and spatial information, amino acid conservation, physicochemical variation, residue mobility, and thermodynamic stability) indicates that this missense variant is expected to disrupt GNAO1 protein function with a positive predictive value of 95%. In summary, the available evidence is currently insufficient to determine the role of this variant in disease. Therefore, it has been classified as a Variant of Uncertain Significance.

NM_020988.3(GNAO1):c.1055G>A (p.Gly352Asp)

Gene: GNAO1 (G protein subunit alpha o1; plus strand). Cytogenetic location: 16q13.
Variant type: single nucleotide variant.
Coding change: c.1055G>A on transcript NM_020988.3 (MANE Select); coding-DNA position 1055, G replaced by A.
Protein change: p.Gly352Asp; replaces glycine 352 with aspartic acid.
Molecular consequence: missense variant.
Genome position (GRCh38, 1-based): chr16:56,355,043, G>A. VCF-style: chr16-56355043-G-A. GRCh37 (hg19) VCF-style: chr16-56388955-G-A.
Other names: short protein forms G352D.
Identifiers: ClinVar variation 4745995 (VCV004745995.1).
Genomic context (GRCh38, chr16:56,355,043, plus strand): 5'-TCCAGGTGGTGTTCGACGCCGTCACCGACATCATCATTGCCAACAACCTCCGGGGCTGCG[G>A]CTTGTACTGACCTCTTGTCCTGTATAGCAACCTATTTGGTAATGATTCCAGCACCCACAG-3'
Protein context (NP_066268.1, residues 342-354): IIIANNLRGC[Gly352Asp]LY